The following is an entry in ClinVar:

NC_000009.12:g.(?_101426493)_(101437751_?)del

Gene: ALDOB (aldolase, fructose-bisphosphate B; minus strand). Cytogenetic location: 9q31.1.
Variant type: Deletion.
Identifiers: ClinVar variation 832254 (VCV000832254.3).

ClinVar aggregate classification (germline): Pathogenic (1 of 4 stars; one submission).

Conditions:
Hereditary fructosuria. Also called: ALDOB DEFICIENCY; ALDOLASE B DEFICIENCY; FRUCTOSE-1,6-BISPHOSPHATE ALDOLASE B DEFICIENCY; FRUCTOSE-1-PHOSPHATE ALDOLASE DEFICIENCY; FRUCTOSEMIA; Fructose intolerance. Identifiers: Orphanet 469, MedGen C0016751, MONDO:0009249, OMIM 229600, HP:0005973. Disease mechanism: loss of function.

Submission:

Labcorp Genetics (formerly Invitae), Labcorp
Classification: Pathogenic for Hereditary fructosuria. Last evaluated: 2022-08-06. Review status: criteria provided, single submitter. Criteria: Invitae Variant Classification Sherloc (09022015). Collection method: clinical testing. Allele origin: germline.
Comment: For these reasons, this variant has been classified as Pathogenic. A similar copy number variant has been observed in individuals with hereditary fructose intolerance (PMID: 20848650, 22494545, 23430936). This variant is a gross deletion of the genomic region encompassing exon(s) 1-6 of the ALDOB gene, which includes the initiator codon. This deletion extends beyond the assayed region for this gene and therefore may encompass additional genes. It is expected to result in an absent or disrupted protein product. Loss-of-function variants in ALDOB are known to be pathogenic (PMID: 18541450).

Literature cited by the submitters: PubMed 20848650; PubMed 22494545; PubMed 23430936; PubMed 18541450.